The following is an entry in ClinVar:

NM_014712.3(SETD1A):c.3435A>C (p.Pro1145=)

Gene: SETD1A (SET domain containing 1A, histone lysine methyltransferase; plus strand). Cytogenetic location: 16p11.2.
Variant type: single nucleotide variant.
Coding change: c.3435A>C on transcript NM_014712.3 (MANE Select); coding-DNA position 3435, A replaced by C.
Protein change: p.Pro1145=; no amino-acid change (proline 1145 retained).
Molecular consequence: synonymous variant.
Genome position (GRCh38, 1-based): chr16:30,979,221, A>C. VCF-style: chr16-30979221-A-C. GRCh37 (hg19) VCF-style: chr16-30990542-A-C.
Identifiers: ClinVar variation 2646450 (VCV002646450.24), dbSNP rs751006260, ClinGen allele CA8017280.

ClinVar aggregate classification (germline): Likely benign (1 of 4 stars; one submission).

Allele frequency attached by ClinVar (database versions not stated): ExAC 0.00015.

Submission:

CeGaT Center for Human Genetics Tuebingen
Classification: Likely benign. Last evaluated: 2023-10-01. Review status: criteria provided, single submitter. Criteria: CeGaT Center For Human Genetics Tuebingen Variant Classification Criteria Version 2. Collection method: clinical testing. Allele origin: germline. Affected: yes. Observed: 1 variant allele.
Comment: SETD1A: BP4, BP7, BS1